The following is an entry in ClinVar:

NM_004727.3(SLC24A1):c.2984G>A (p.Arg995Gln)

Gene: SLC24A1 (solute carrier family 24 member 1; plus strand). Cytogenetic location: 15q22.31.
Variant type: single nucleotide variant.
Coding change: c.2984G>A on transcript NM_004727.3 (MANE Select); coding-DNA position 2984, G replaced by A.
Protein change: p.Arg995Gln; replaces arginine 995 with glutamine.
Molecular consequence: missense variant.
Genome position (GRCh38, 1-based): chr15:65,652,742, G>A. VCF-style: chr15-65652742-G-A. GRCh37 (hg19) VCF-style: chr15-65945080-G-A.
Other names: c.965G>A, p.Arg322Gln (NM_001254740.2); c.2894G>A, p.Arg965Gln (NM_001301031.1); c.2930G>A, p.Arg977Gln (NM_001301032.1, NM_001301033.2); c.2642G>A, p.Arg881Gln (NM_001411142.1); short protein forms R965Q, R881Q, R995Q, R322Q, R977Q.
Identifiers: ClinVar variation 1956288 (VCV001956288.5), dbSNP rs766002375, ClinGen allele CA392902242.

ClinVar aggregate classification (germline): Uncertain significance (1 of 4 stars; one submission).

gnomAD v4.1: 15 of 1,613,834 alleles (0.00093%); highest among the groups gnomAD compares: African/African-American, 0.0013%; no homozygotes.

Submission:

Labcorp Genetics (formerly Invitae), Labcorp
Classification: Uncertain significance. Last evaluated: 2022-06-23. Review status: criteria provided, single submitter. Criteria: Invitae Variant Classification Sherloc (09022015). Collection method: clinical testing. Allele origin: germline.
Comment: Algorithms developed to predict the effect of missense changes on protein structure and function are either unavailable or do not agree on the potential impact of this missense change (SIFT: "Deleterious"; PolyPhen-2: "Probably Damaging"; Align-GVGD: "Class C0"). In summary, the available evidence is currently insufficient to determine the role of this variant in disease. Therefore, it has been classified as a Variant of Uncertain Significance. This variant has not been reported in the literature in individuals affected with SLC24A1-related conditions. This variant is not present in population databases (gnomAD no frequency). This sequence change replaces arginine, which is basic and polar, with glutamine, which is neutral and polar, at codon 995 of the SLC24A1 protein (p.Arg995Gln).